The following is an entry in ClinVar:

ClinVar aggregate classification (germline): Uncertain significance (1 of 4 stars; one submission).

Allele frequency attached by ClinVar (database versions not stated): gnomAD exomes below 0.00001; ExAC 0.00001.
gnomAD v4.1: 1 of 1,612,696 alleles (0.000062%); highest among the groups gnomAD compares: Non-Finnish European, 0.000085%; no homozygotes.

Submission:

Labcorp Genetics (formerly Invitae), Labcorp
Classification: Uncertain significance. Last evaluated: 2022-06-09. Review status: criteria provided, single submitter. Criteria: Invitae Variant Classification Sherloc (09022015). Collection method: clinical testing. Allele origin: germline.
Comment: This sequence change replaces lysine, which is basic and polar, with threonine, which is neutral and polar, at codon 465 of the ANKS1B protein (p.Lys465Thr). This variant is present in population databases (rs763109064, gnomAD 0.0009%). This variant has not been reported in the literature in individuals affected with ANKS1B-related conditions. Algorithms developed to predict the effect of missense changes on protein structure and function are either unavailable or do not agree on the potential impact of this missense change (SIFT: "Deleterious"; PolyPhen-2: "Probably Damaging"; Align-GVGD: "Class C0"). In summary, the available evidence is currently insufficient to determine the role of this variant in disease. Therefore, it has been classified as a Variant of Uncertain Significance.

NM_001352186.2(ANKS1B):c.1394A>C (p.Lys465Thr)

Gene: ANKS1B (ankyrin repeat and sterile alpha motif domain containing 1B; minus strand). Cytogenetic location: 12q23.1.
Variant type: single nucleotide variant.
Coding change: c.1394A>C on transcript NM_001352186.2 (MANE Select); coding-DNA position 1394, A replaced by C.
Protein change: p.Lys465Thr; replaces lysine 465 with threonine.
Molecular consequence: missense variant.
Genome position (GRCh38, 1-based): chr12:99,504,520, T>G on the plus strand (A>C on the coding strand, the complement: ANKS1B is on the minus strand). VCF-style: chr12-99504520-T-G. GRCh37 (hg19) VCF-style: chr12-99898298-T-G.
Other names: c.1394A>C, p.Lys465Thr (NM_001352188.1, NM_152788.4, NM_001352185.1 and 1 more transcripts); short protein forms K465T.
Identifiers: ClinVar variation 2003710 (VCV002003710.1), dbSNP rs763109064, ClinGen allele CA6735300.
Genomic context (GRCh38, chr12:99,504,520, plus strand): 5'-GAGTAAGAGATATTACCAGTTCTTGGGGAAGGTGCCCTTGCAATTTCTAAGGAGCAAGGT[T>G]TCTTTGTAACAGCTGTGTCCATGAGATCACACAGAAAGTTCTCATTTTCTGAAGGAAATG-3'
Protein context (NP_001339115.1, residues 455-475): CDLMDTAVTK[Lys465Thr]PCSLEIARAP